The following is an entry in ClinVar:

NM_001001563.5(TIMM50):c.472C>T (p.Leu158Phe)

Gene: TIMM50 (translocase of inner mitochondrial membrane 50; plus strand). Cytogenetic location: 19q13.2.
Variant type: single nucleotide variant.
Coding change: c.472C>T on transcript NM_001001563.5 (MANE Select); coding-DNA position 472, C replaced by T.
Protein change: p.Leu158Phe; replaces leucine 158 with phenylalanine.
Molecular consequence: missense variant.
Genome position (GRCh38, 1-based): chr19:39,485,787, C>T. VCF-style: chr19-39485787-C-T. GRCh37 (hg19) VCF-style: chr19-39976427-C-T.
Other names: c.133C>T, p.Leu45Phe (NM_001329559.2); short protein forms L45F, L158F.
Identifiers: ClinVar variation 2119899 (VCV002119899.4), dbSNP rs2514619408, ClinGen allele CA405787384.

ClinVar aggregate classification (germline): Uncertain significance (1 of 4 stars; one submission).

Submission:

Labcorp Genetics (formerly Invitae), Labcorp
Classification: Uncertain significance. Last evaluated: 2024-10-16. Review status: criteria provided, single submitter. Criteria: Invitae Variant Classification Sherloc (09022015). Collection method: clinical testing. Allele origin: germline.
Comment: This sequence change replaces leucine, which is neutral and non-polar, with phenylalanine, which is neutral and non-polar, at codon 261 of the TIMM50 protein (p.Leu261Phe). This variant is not present in population databases (gnomAD no frequency). This variant has not been reported in the literature in individuals affected with TIMM50-related conditions. ClinVar contains an entry for this variant (Variation ID: 2119899). An algorithm developed to predict the effect of missense changes on protein structure and function (PolyPhen-2) suggests that this variant is likely to be disruptive. In summary, the available evidence is currently insufficient to determine the role of this variant in disease. Therefore, it has been classified as a Variant of Uncertain Significance.